The following is an entry in ClinVar:

ClinVar aggregate classification (germline): Pathogenic (1 of 4 stars; one submission).

Conditions:
Polycystic kidney disease, adult type (PKD1). Also called: Polycystic Kidney, Autosomal Dominant; POLYCYSTIC KIDNEY DISEASE, ADULT, TYPE I; Polycystic Kidney Disease 1, Autosomal Dominant; Polycystic kidney disease 1; Polycystic kidney disease 1, severe; POLYCYSTIC KIDNEY DISEASE 1 WITH OR WITHOUT POLYCYSTIC LIVER DISEASE. Identifiers: MedGen C3149841, MONDO:0008263, OMIM 173900.

Submission:

Women's Health and Genetics/Laboratory Corporation of America, LabCorp
Classification: Pathogenic for Polycystic kidney disease, adult type. Last evaluated: 2026-05-08. Review status: criteria provided, single submitter. Criteria: LabCorp Variant Classification Summary - May 2015. Collection method: clinical testing. Allele origin: germline.
Comment: Variant summary: PKD1 c.9347dupG (p.Arg3117ProfsX62) results in a premature termination codon, predicted to cause a truncation of the encoded protein or absence of the protein due to nonsense mediated decay, which are commonly known mechanisms for disease. The variant was absent in 211568 control chromosomes. To our knowledge, no occurrence of c.9347dupG in individuals affected with PKD1-related conditions and no experimental evidence demonstrating its impact on protein function have been reported. No submitters have cited clinical-significance assessments for this variant to ClinVar. Based on the evidence outlined above, the variant was classified as pathogenic.

NM_001009944.3(PKD1):c.9347dup (p.Arg3117fs)

Gene: PKD1 (polycystin 1, transient receptor potential channel interacting; minus strand). Cytogenetic location: 16p13.3.
Variant type: Duplication.
Coding change: c.9347dup on transcript NM_001009944.3 (MANE Select); coding-DNA position 9347, one base duplicated (G; older notation c.9347dupG).
Protein change: p.Arg3117fs; shifts the reading frame from arginine 3117.
Molecular consequence: frameshift variant.
Genome position (GRCh38, 1-based): chr16:2,102,111, C duplicated on the plus strand (G on the coding strand, the reverse complement: PKD1 is on the minus strand); the first of 4 consecutive C bases (chr16:2,102,111-2,102,114); duplicating any one gives the same sequence. VCF-style (leftmost placement, unchanged base first): chr16-2102110-G-GC. GRCh37 (hg19) VCF-style: chr16-2152111-G-GC.
Other names: c.9347dupG (NM_001009944.3); c.9347dup, p.Arg3117fs (NM_000296.4); short protein forms R3117fs.
Identifiers: ClinVar variation 4853438 (VCV004853438.1).